The following is an entry in ClinVar:

ClinVar aggregate classification (germline): Pathogenic (1 of 4 stars; one submission).

Submission:

Labcorp Genetics (formerly Invitae), Labcorp
Classification: Pathogenic. Last evaluated: 2025-03-31. Review status: criteria provided, single submitter. Criteria: Invitae Variant Classification Sherloc (09022015). Collection method: clinical testing. Allele origin: germline.
Comment: This sequence change creates a premature translational stop signal (p.Arg347Thrfs*17) in the SLC4A11 gene. It is expected to result in an absent or disrupted protein product. Loss-of-function variants in SLC4A11 are known to be pathogenic (PMID: 17220209, 17679935). This variant is not present in population databases (gnomAD no frequency). This variant has not been reported in the literature in individuals affected with SLC4A11-related conditions. For these reasons, this variant has been classified as Pathogenic.

Literature cited by the submitters: PubMed 17220209; PubMed 17679935.

NM_001174089.2(SLC4A11):c.990_991insA (p.Arg331fs)

Gene: SLC4A11 (solute carrier family 4 member 11; minus strand). Cytogenetic location: 20p13.
Variant type: Insertion.
Coding change: c.990_991insA on transcript NM_001174089.2 (MANE Select); coding-DNA positions 990 to 991, A inserted.
Protein change: p.Arg331fs; shifts the reading frame from arginine 331.
Molecular consequence: frameshift variant. On other transcripts: non-coding transcript variant (3).
Genome position: GRCh38 VCF-style: chr20-3231200-G-GT. GRCh37 (hg19) VCF-style: chr20-3211846-G-GT.
Other names: c.1119_1120insA, p.Arg374fs (NM_001174090.2, NM_001400280.1); c.990_991insA, p.Arg331fs (NM_001363745.2); c.933_934insA, p.Arg312fs (NM_001400277.1, NM_001400278.1, NM_001400279.1); c.1038_1039insA, p.Arg347fs (NM_032034.4); short protein forms R312fs, R331fs, R347fs, R374fs.
Identifiers: ClinVar variation 4809775 (VCV004809775.1).